The following is an entry in ClinVar:

ClinVar aggregate classification (germline): Uncertain significance (1 of 4 stars; one submission).

Conditions:
Glycogen storage disease XV (GSD15). Also called: GLYCOGENIN DEFICIENCY; GSD XV. Identifiers: Orphanet 263297, MedGen C3150754, MONDO:0013291, OMIM 613507.
Polyglucosan body myopathy type 2. Identifiers: Orphanet 456369, MedGen C4015452, MONDO:0014526, OMIM 616199.

Submission:

Labcorp Genetics (formerly Invitae), Labcorp
Classification: Uncertain significance for Polyglucosan body myopathy type 2; Glycogen storage disease XV. Last evaluated: 2022-07-26. Review status: criteria provided, single submitter. Criteria: Invitae Variant Classification Sherloc (09022015). Collection method: clinical testing. Allele origin: germline.
Comment: In summary, the available evidence is currently insufficient to determine the role of this variant in disease. Therefore, it has been classified as a Variant of Uncertain Significance. Algorithms developed to predict the effect of missense changes on protein structure and function are either unavailable or do not agree on the potential impact of this missense change (SIFT: "Deleterious"; PolyPhen-2: "Probably Damaging"; Align-GVGD: "Class C15"). This variant has not been reported in the literature in individuals affected with GYG1-related conditions. This variant is not present in population databases (gnomAD no frequency). This sequence change replaces tryptophan, which is neutral and slightly polar, with cysteine, which is neutral and slightly polar, at codon 250 of the GYG1 protein (p.Trp250Cys).

NM_004130.4(GYG1):c.750G>T (p.Trp250Cys)

Gene: GYG1 (glycogenin 1; plus strand). Cytogenetic location: 3q24.
Variant type: single nucleotide variant.
Coding change: c.750G>T on transcript NM_004130.4 (MANE Select); coding-DNA position 750, G replaced by T.
Protein change: p.Trp250Cys; replaces tryptophan 250 with cysteine.
Molecular consequence: missense variant. On other transcripts: intron variant (1).
Genome position (GRCh38, 1-based): chr3:149,024,194, G>T. VCF-style: chr3-149024194-G-T. GRCh37 (hg19) VCF-style: chr3-148741981-G-T.
Other names: c.750G>T, p.Trp250Cys (NM_001184720.2); c.609-2566G>T (NM_001184721.2); short protein forms W250C.
Identifiers: ClinVar variation 1713638 (VCV001713638.5), dbSNP rs2472757933, ClinGen allele CA354908508.